The following is an entry in ClinVar:

NM_006949.4(STXBP2):c.326-1G>C

Gene: STXBP2 (syntaxin binding protein 2; plus strand). Cytogenetic location: 19p13.2.
Variant type: single nucleotide variant.
Coding change: c.326-1G>C on transcript NM_006949.4 (MANE Select); the canonical splice acceptor site of the intron before coding-DNA position 326, G replaced by C.
Molecular consequence: splice acceptor variant.
Genome position (GRCh38, 1-based): chr19:7,640,899, G>C. VCF-style: chr19-7640899-G-C. GRCh37 (hg19) VCF-style: chr19-7705785-G-C.
Other names: c.230-1G>C (NM_001414484.1); c.359-1G>C (NM_001272034.2); c.317-1G>C (NM_001127396.3).
Identifiers: ClinVar variation 1504339 (VCV001504339.8), dbSNP rs2031844309, ClinGen allele CA403157568.
Genomic context (GRCh38, chr19:7,640,899, plus strand): 5'-GGTGGGGCAAGGAGGTGTGGGGGCTGCTCTGGCCTGATGCCCCACTCCTGCCTCACCCCA[G>C]CCTGCCCCGAGCCCCTGTTCAGTGAGCTAGGCCGCTCTCGTCTGGCAAAGGTGGTGAAGA-3'

ClinVar aggregate classification (germline): Likely pathogenic (1 of 4 stars; one submission).

Conditions:
Familial hemophagocytic lymphohistiocytosis 5. Also called: STXBP2-Related Familial Hemophagocytic Lymphohistiocytosis (STXBP2-fHLH). Identifiers: Orphanet 540, MedGen C2751293, MONDO:0013135, OMIM 613101.

Allele frequency attached by ClinVar (database versions not stated): gnomAD exomes below 0.00001.
gnomAD v4.1: 8 of 1,614,198 alleles (0.0005%); highest among the groups gnomAD compares: Non-Finnish European, 0.00042%; no homozygotes.

Submission:

Labcorp Genetics (formerly Invitae), Labcorp
Classification: Likely pathogenic for Familial hemophagocytic lymphohistiocytosis 5. Last evaluated: 2023-05-15. Review status: criteria provided, single submitter. Criteria: Invitae Variant Classification Sherloc (09022015). Collection method: clinical testing. Allele origin: germline.
Comment: Algorithms developed to predict the effect of sequence changes on RNA splicing suggest that this variant may disrupt the consensus splice site. ClinVar contains an entry for this variant (Variation ID: 1504339). This variant has not been reported in the literature in individuals affected with STXBP2-related conditions. This variant is not present in population databases (gnomAD no frequency). This sequence change affects an acceptor splice site in intron 5 of the STXBP2 gene. It is expected to disrupt RNA splicing. Variants that disrupt the donor or acceptor splice site typically lead to a loss of protein function (PMID: 16199547), and loss-of-function variants in STXBP2 are known to be pathogenic (PMID: 19804848, 22451424). In summary, the currently available evidence indicates that the variant is pathogenic, but additional data are needed to prove that conclusively. Therefore, this variant has been classified as Likely Pathogenic.

Literature cited by the submitters: PubMed 16199547; PubMed 19804848; PubMed 22451424.